The following is an entry in ClinVar:

NM_020207.7(ERCC6L2):c.1043G>A (p.Arg348Lys)

Gene: ERCC6L2 (ERCC excision repair 6 like 2; plus strand). Cytogenetic location: 9q22.32.
Variant type: single nucleotide variant.
Coding change: c.1043G>A on transcript NM_020207.7 (MANE Select); coding-DNA position 1043, G replaced by A.
Protein change: p.Arg348Lys; replaces arginine 348 with lysine.
Molecular consequence: missense variant. On other transcripts: non-coding transcript variant (1).
Genome position (GRCh38, 1-based): chr9:95,916,319, G>A. VCF-style: chr9-95916319-G-A. GRCh37 (hg19) VCF-style: chr9-98678601-G-A.
Other names: c.1043G>A, p.Arg348Lys (NM_001010895.4, NM_001375291.1, NM_001375292.1 and 2 more transcripts); short protein forms R348K.
Identifiers: ClinVar variation 3649198 (VCV003649198.3).

ClinVar aggregate classification (germline): Uncertain significance. Review status: criteria provided, multiple submitters, no conflicts (2 of 4 stars). 2 submissions from 2 submitters: Uncertain significance (2). Last evaluated 2025-01-03.

Conditions:
Inborn genetic diseases. Identifiers: MedGen C0950123, MeSH D030342.

Submissions (2):

Ambry Genetics
Classification: Uncertain significance for Inborn genetic diseases. Last evaluated: 2025-01-03. Review status: criteria provided, single submitter. Criteria: Ambry Variant Classification Scheme 2023. Collection method: clinical testing. Allele origin: germline.
Comment: The p.R348K variant (also known as c.1043G>A), located in coding exon 6 of the ERCC6L2 gene, results from a G to A substitution at nucleotide position 1043. The arginine at codon 348 is replaced by lysine, an amino acid with highly similar properties. This amino acid position is conserved. In addition, the in silico prediction for this alteration is inconclusive. Based on the available evidence, the clinical significance of this variant remains unclear.

Labcorp Genetics (formerly Invitae), Labcorp
Classification: Uncertain significance. Last evaluated: 2024-04-08. Review status: criteria provided, single submitter. Criteria: Invitae Variant Classification Sherloc (09022015). Collection method: clinical testing. Allele origin: germline.
Comment: This sequence change replaces arginine, which is basic and polar, with lysine, which is basic and polar, at codon 359 of the ERCC6L2 protein (p.Arg359Lys). This variant is not present in population databases (gnomAD no frequency). This variant has not been reported in the literature in individuals affected with ERCC6L2-related conditions. Experimental studies and prediction algorithms are not available or were not evaluated, and the functional significance of this variant is currently unknown. In summary, the available evidence is currently insufficient to determine the role of this variant in disease. Therefore, it has been classified as a Variant of Uncertain Significance.